The following is an entry in ClinVar:

ClinVar aggregate classification (germline): Conflicting classifications of pathogenicity. Review status: no assertion criteria provided (0 of 4 stars). 3 submissions from 3 submitters: Pathogenic (2); Uncertain significance (1). Last evaluated 2016-01-06.

Conditions:
Hereditary spastic paraplegia 3A (SPG3A). Also called: SPASTIC PARAPLEGIA 3, AUTOSOMAL DOMINANT; FAMILIAL SPASTIC PARAPLEGIA, AUTOSOMAL DOMINANT, 1; SPG3; STRUMPELL DISEASE; Spastic Paraplegia 3A; Spastic paraplegia 3A, autosomal dominant. Identifiers: Orphanet 100984, MedGen C2931355, MONDO:0008437, OMIM 182600.

Submissions (3):

Inherited Neuropathy Consortium Ii, University Of Miami
Classification: Uncertain significance for Hereditary spastic paraplegia 3A. Last evaluated: 2016-01-06. Review status: no assertion criteria provided. Collection method: literature only. Allele origin: germline. Affected: yes.

GeneReviews
Classification: Pathogenic for Spastic Paraplegia 3A. Last evaluated: 2010-09-21. Review status: no assertion criteria provided. Collection method: curation. Allele origin: unknown.
ClinVar note: Converted during submission from pathologic to Pathogenic.

OMIM
Classification: Pathogenic for SPASTIC PARAPLEGIA 3, AUTOSOMAL DOMINANT. Last evaluated: 2002-12-24. Review status: no assertion criteria provided. Collection method: literature only. Allele origin: germline.

Literature cited by the submitters: PubMed 24002164 (cited by Inherited Neuropathy Consortium Ii, University Of Miami); PubMed 12499504 (cited by OMIM).

NM_015915.5(ATL1):c.1519dup (p.Ile507fs)

Gene: ATL1 (atlastin GTPase 1; plus strand). Cytogenetic location: 14q22.1.
Variant type: Duplication.
Coding change: c.1519dup on transcript NM_015915.5 (MANE Select); coding-DNA position 1519, one base duplicated (A; older notation c.1519dupA).
Protein change: p.Ile507fs; shifts the reading frame from isoleucine 507.
Molecular consequence: frameshift variant.
Genome position (GRCh38, 1-based): chr14:50,628,430, A duplicated; the last of 2 consecutive A bases (chr14:50,628,429-50,628,430); duplicating either gives the same sequence. VCF-style (leftmost placement, unchanged base first): chr14-50628428-T-TA. GRCh37 (hg19) VCF-style: chr14-51095146-T-TA.
Other names: AY032844.1:n.1688dup; c.1519dup, p.Ile507fs (NM_001127713.1, NM_181598.4); c.1519dupA (NM_015915.4); short protein forms I507fs.
Identifiers: ClinVar variation 21528 (VCV000021528.5), dbSNP rs863223314, ClinGen allele CA342177.